The following is an entry in ClinVar:

NM_012469.4(PRPF6):c.2678A>T (p.Gln893Leu)

Gene: PRPF6 (pre-mRNA processing factor 6; plus strand). Cytogenetic location: 20q13.33.
Variant type: single nucleotide variant.
Coding change: c.2678A>T on transcript NM_012469.4 (MANE Select); coding-DNA position 2678, A replaced by T.
Protein change: p.Gln893Leu; replaces glutamine 893 with leucine.
Molecular consequence: missense variant.
Genome position (GRCh38, 1-based): chr20:64,032,845, A>T. VCF-style: chr20-64032845-A-T. GRCh37 (hg19) VCF-style: chr20-62664198-A-T.
Other names: short protein forms Q893L.
Identifiers: ClinVar variation 1437349 (VCV001437349.8), dbSNP rs1781101528, ClinGen allele CA409747775.

ClinVar aggregate classification (germline): Uncertain significance (1 of 4 stars; one submission).

Submission:

Labcorp Genetics (formerly Invitae), Labcorp
Classification: Uncertain significance. Last evaluated: 2021-07-08. Review status: criteria provided, single submitter. Criteria: Invitae Variant Classification Sherloc (09022015). Collection method: clinical testing. Allele origin: germline.
Comment: This sequence change replaces glutamine with leucine at codon 893 of the PRPF6 protein (p.Gln893Leu). The glutamine residue is highly conserved and there is a moderate physicochemical difference between glutamine and leucine. This variant is not present in population databases (ExAC no frequency). This variant has not been reported in the literature in individuals affected with PRPF6-related conditions. Algorithms developed to predict the effect of missense changes on protein structure and function are either unavailable or do not agree on the potential impact of this missense change (SIFT: "Tolerated"; PolyPhen-2: "Benign"; Align-GVGD: "Class C25"). In summary, the available evidence is currently insufficient to determine the role of this variant in disease. Therefore, it has been classified as a Variant of Uncertain Significance.